The following is an entry in ClinVar:

ClinVar aggregate classification (germline): Uncertain significance (1 of 4 stars; one submission).

Conditions:
Cardiovascular phenotype. Identifiers: MedGen CN230736.

Allele frequency attached by ClinVar (database versions not stated): gnomAD exomes below 0.00001; ExAC 0.00001.
gnomAD v4.1: 4 of 1,613,998 alleles (0.00025%); highest among the groups gnomAD compares: Non-Finnish European, 0.000085%; no homozygotes.

Submission:

Ambry Genetics
Classification: Uncertain significance for Cardiovascular phenotype. Last evaluated: 2018-11-02. Review status: criteria provided, single submitter. Criteria: Ambry Variant Classification Scheme 2023. Collection method: clinical testing. Allele origin: germline.
Comment: The p.G107E variant (also known as c.320G>A), located in coding exon 3 of the LAMA4 gene, results from a G to A substitution at nucleotide position 320. The glycine at codon 107 is replaced by glutamic acid, an amino acid with similar properties. This amino acid position is highly conserved in available vertebrate species. In addition, this alteration is predicted to be deleterious by in silico analysis. Since supporting evidence is limited at this time, the clinical significance of this alteration remains unclear.

NM_001105206.3(LAMA4):c.320G>A (p.Gly107Glu)

Gene: LAMA4 (laminin subunit alpha 4; minus strand). Cytogenetic location: 6q21.
Variant type: single nucleotide variant.
Coding change: c.320G>A on transcript NM_001105206.3 (MANE Select); coding-DNA position 320, G replaced by A.
Protein change: p.Gly107Glu; replaces glycine 107 with glutamic acid.
Molecular consequence: missense variant.
Genome position (GRCh38, 1-based): chr6:112,207,123, C>T on the plus strand (G>A on the coding strand, the complement: LAMA4 is on the minus strand). VCF-style: chr6-112207123-C-T. GRCh37 (hg19) VCF-style: chr6-112528324-C-T.
Other names: c.320G>A, p.Gly107Glu (NM_001105207.3, NM_002290.5); short protein forms G107E.
Identifiers: ClinVar variation 1728913 (VCV001728913.2), dbSNP rs782122726, ClinGen allele CA3966196.